The following is an entry in ClinVar:

ClinVar aggregate classification (germline): Uncertain significance (1 of 4 stars; one submission).

Conditions:
Coffin-Siris syndrome 1 (CSS1). Also called: Mental retardation, autosomal dominant 12; ARID1B-Related Coffin-Siris Syndrome. Identifiers: Orphanet 1465, MedGen C3281201, MONDO:0007617, OMIM 135900. Disease mechanism: gain of function.

gnomAD v4.1: 1 of 1,413,700 alleles (0.000071%); highest among the groups gnomAD compares: African/African-American, 0.0015%; no homozygotes.

Submission:

Laboratorio de Genetica e Diagnostico Molecular, Hospital Israelita Albert Einstein
Classification: Uncertain significance for Coffin-Siris syndrome 1. Last evaluated: 2024-01-31. Review status: criteria provided, single submitter. Criteria: ACMG Guidelines, 2015. Collection method: clinical testing. Allele origin: germline. Affected: yes.
Comment: ACMG classification criteria: PM2 moderate, BP4 supporting

NM_001374828.1(ARID1B):c.1784G>A (p.Arg595Lys)

Gene: ARID1B (AT-rich interaction domain 1B; plus strand). Cytogenetic location: 6q25.3.
Variant type: single nucleotide variant.
Coding change: c.1784G>A on transcript NM_001374828.1 (MANE Select); coding-DNA position 1784, G replaced by A.
Protein change: p.Arg595Lys; replaces arginine 595 with lysine.
Molecular consequence: missense variant.
Genome position (GRCh38, 1-based): chr6:156,779,464, G>A. VCF-style: chr6-156779464-G-A. GRCh37 (hg19) VCF-style: chr6-157100598-G-A.
Other names: c.1784G>A, p.Arg595Lys (NM_001371656.1, NM_001374820.1, NM_017519.3); short protein forms R595K.
Identifiers: ClinVar variation 3901074 (VCV003901074.1).
Genomic context (GRCh38, chr6:156,779,464, plus strand): 5'-CCGCGCAACAAAGGAGTCACCCGGCGATGAGCCCCGGCACCCCCGGACCGACCATGGGCA[G>A]ATCCCAGGTAACCCTCGCGCCAGCCGGGCCTGCTTCCGCCCGGCGGCCTCGCCGCGCCGC-3'
Protein context (NP_001361757.1, residues 585-605): SPGTPGPTMG[Arg595Lys]SQGSPMDPMV